The following is an entry in ClinVar:

ClinVar aggregate classification (germline): Benign (1 of 4 stars; one submission).

gnomAD v4.1: 67 of 78,628 alleles (0.085%); highest among the groups gnomAD compares: Admixed American, 0.26%; 11 homozygotes.

Submission:

CeGaT Center for Human Genetics Tuebingen
Classification: Benign. Last evaluated: 2022-07-01. Review status: criteria provided, single submitter. Criteria: CeGaT Center For Human Genetics Tuebingen Variant Classification Criteria Version 2. Collection method: clinical testing. Allele origin: germline. Affected: yes. Observed: 1 variant allele.
Comment: PITPNM3: BS1, BS2

NM_031220.4(PITPNM3):c.*3454G>C

Gene: PITPNM3 (PITPNM family member 3; minus strand). Cytogenetic location: 17p13.2.
Variant type: single nucleotide variant.
Coding change: c.*3454G>C on transcript NM_031220.4 (MANE Select); 3454 bases downstream of the stop codon, G replaced by C.
Molecular consequence: 3 prime UTR variant.
Genome position (GRCh38, 1-based): chr17:6,451,884, C>G on the plus strand (G>C on the coding strand, the complement: PITPNM3 is on the minus strand). VCF-style: chr17-6451884-C-G. GRCh37 (hg19) VCF-style: chr17-6355204-C-G.
Other names: c.*3454G>C (NM_001165966.2).
Identifiers: ClinVar variation 2647309 (VCV002647309.24), dbSNP rs879056505, ClinGen allele CA287339415.